The following is an entry in ClinVar:

NM_000290.4(PGAM2):c.290G>A (p.Gly97Asp)

Genes: DBNL (drebrin like; plus strand), PGAM2 (phosphoglycerate mutase 2; minus strand). Cytogenetic location: 7p13.
Variant type: single nucleotide variant.
Coding change: c.290G>A on transcript NM_000290.4 (MANE Select); coding-DNA position 290, G replaced by A.
Protein change: p.Gly97Asp; replaces glycine 97 with aspartic acid.
Molecular consequence: missense variant. On other transcripts: 3 prime UTR variant (6).
Genome position (GRCh38, 1-based): chr7:44,065,240, C>T on the plus strand (G>A on the coding strand, the complement: PGAM2 is on the minus strand). VCF-style: chr7-44065240-C-T. GRCh37 (hg19) VCF-style: chr7-44104839-C-T.
Other names: c.*4324C>T (NM_001014436.3, NM_001122956.2, NM_001284313.2 and 3 more transcripts); short protein forms G97D.
Identifiers: ClinVar variation 421 (VCV000000421.17), dbSNP rs77938727, ClinGen allele CA114262.

ClinVar aggregate classification (germline): Conflicting classifications of pathogenicity. Review status: criteria provided, conflicting classifications (1 of 4 stars). 6 submissions from 6 submitters: Uncertain significance (1); Benign (3); Likely benign (1). 1 of the submissions does not count toward it. Last evaluated 2026-01-14.

Conditions:
Glycogen storage disease type X (GSD10). Also called: PGAMM DEFICIENCY; Glycogen storage disease due to phosphoglycerate mutase deficiency; Dimauro disease; MYOPATHY DUE TO PHOSPHOGLYCERATE MUTASE DEFICIENCY; PHOSPHOGLYCERATE MUTASE, MUSCLE, DEFICIENCY OF; GSD X. Identifiers: Orphanet 97234, MedGen C0268149, MONDO:0009865, OMIM 261670.

Allele frequency attached by ClinVar (database versions not stated): gnomAD 0.00026 and 0.00048; 1000 Genomes Project 30x 0.00219; gnomAD exomes 0.00125 and 0.00053; ExAC 0.00144; 1000 Genomes Project 0.00260; TOPMed 0.00069.
gnomAD v4.1: 839 of 1,613,944 alleles (0.052%); highest among the groups gnomAD compares: East Asian, 1.6%; 11 homozygotes.

Submissions (6):

Labcorp Genetics (formerly Invitae), Labcorp
Classification: Benign for Glycogen storage disease type X. Last evaluated: 2026-01-14. Review status: criteria provided, single submitter. Criteria: Invitae Variant Classification Sherloc (09022015). Collection method: clinical testing. Allele origin: germline.

Women's Health and Genetics/Laboratory Corporation of America, LabCorp
Classification: Likely benign. Last evaluated: 2025-09-24. Review status: criteria provided, single submitter. Criteria: LabCorp Variant Classification Summary - May 2015. Collection method: clinical testing. Allele origin: germline.
Comment: Variant summary: PGAM2 c.290G>A (p.Gly97Asp) results in a non-conservative amino acid change in the encoded protein sequence. Algorithms developed to predict the effect of missense changes on protein structure and function all suggest that this variant is likely to be disruptive. The variant allele was found at a frequency of 0.0013 in 251144 control chromosomes, predominantly at a frequency of 0.015 within the East Asian subpopulation in the gnomAD database, including 5 homozygotes. The observed variant frequency within East Asian control individuals in the gnomAD database exceeds the estimated maximal expected allele frequency for disease-causing variants in PGAM2. c.290G>A has been observed in individual(s) affected with partial Phosphoglycerate mutase deficiency (example: Hadjigeorgiou_1999) . These report(s) do not provide unequivocal conclusions about association of the variant with Glycogen Storage Disease Type X. To our knowledge, no experimental evidence demonstrating an impact on protein function has been reported. The following publication has been ascertained in the context of this evaluation (PMID: 10545043). ClinVar contains an entry for this variant (Variation ID: 421). Based on the evidence outlined above, the variant was classified as likely benign.

GeneDx
Classification: Benign. Last evaluated: 2021-02-17. Review status: criteria provided, single submitter. Criteria: GeneDx Variant Classification Process June 2021. Collection method: clinical testing. Allele origin: germline. Affected: yes.
Comment: This variant is associated with the following publications: (PMID: 6308514, 30445427, 10545043, 22995991, 8447317)

Illumina Laboratory Services, Illumina
Classification: Benign for Glycogen storage disease type X. Last evaluated: 2017-04-27. Review status: criteria provided, single submitter. Criteria: ICSL Variant Classification Criteria 13 December 2019. Collection method: clinical testing. Allele origin: germline.
Comment: This variant was observed as part of a predisposition screen in an ostensibly healthy population. A literature search was performed for the gene, cDNA change, and amino acid change (where applicable). Publications were found based on this search. The evidence from the literature, in combination with allele frequency data from public databases where available, was sufficient to rule this variant out of causing disease. Therefore, this variant is classified as benign.

Soonchunhyang University Bucheon Hospital, Soonchunhyang University Medical Center
Classification: Uncertain significance for Glycogen storage disease type X. Last evaluated: 2016-03-18. Review status: criteria provided, single submitter. Criteria: ACMG Guidelines, 2015. Collection method: reference population. Allele origin: germline. Observed: 2 variant alleles.

OMIM
Classification: Pathogenic for GLYCOGEN STORAGE DISEASE X. Last evaluated: 1999-10-01. Review status: no assertion criteria provided. Collection method: literature only. Allele origin: germline. Not counted in ClinVar's aggregate classification.

Literature cited by the submitters: PubMed 10545043 (cited by 4 submitters); PubMed 22995991 (cited by Illumina Laboratory Services, Illumina); PubMed 8447317 (cited by OMIM); PubMed 6308514 (cited by OMIM).